The following is an entry in ClinVar:

NM_001379291.1(BRD4):c.1552-1G>A

Gene: BRD4 (bromodomain containing 4; minus strand). Cytogenetic location: 19p13.12.
Variant type: single nucleotide variant.
Coding change: c.1552-1G>A on transcript NM_001379291.1 (MANE Select); the canonical splice acceptor site of the intron before coding-DNA position 1552, G replaced by A.
Molecular consequence: splice acceptor variant.
Genome position (GRCh38, 1-based): chr19:15,256,264, C>T on the plus strand (G>A on the coding strand, the complement: BRD4 is on the minus strand). VCF-style: chr19-15256264-C-T. GRCh37 (hg19) VCF-style: chr19-15367075-C-T.
Other names: c.1552-1G>A (NM_001379292.1, NM_014299.3, NM_001330384.2 and 1 more transcripts).
Identifiers: ClinVar variation 4538455 (VCV004538455.1).

ClinVar aggregate classification (germline): Pathogenic (1 of 4 stars; one submission).

Conditions:
Cornelia de Lange syndrome 6 (CDLS6). Identifiers: MedGen C5882712, MONDO:0957921, OMIM 620568.

Submission:

Medical Genetics and Prenatal Diagnosis Center, Guangxi Academy of Medical Sciences and the People’s Hospital of Guangxi Zhuang Autonomous Region
Classification: Pathogenic for Cornelia de Lange syndrome 6. Last evaluated: 2025-10-20. Review status: criteria provided, single submitter. Criteria: ACMG Guidelines, 2015. Collection method: clinical testing. Allele origin: de novo. Affected: yes.
Comment: NM_001379291.1(BRD4):c.1552-1G>A is a splice site variant predicted to cause abnormal splicing, potentially affecting gene function (PVS1); In summary, based on the ACMG Guidelines, 2015 (PMID: 25741868), the above evidence supports this variant as pathogenic for Cornelia de Lange syndrome 6, classified as PVS1, PS2_Supporting, PM2_Supporting.